The following is an entry in ClinVar:

NM_004830.4(MED23):c.3742G>A (p.Val1248Ile)

Gene: MED23 (mediator complex subunit 23; minus strand). Cytogenetic location: 6q23.2.
Variant type: single nucleotide variant.
Coding change: c.3742G>A on transcript NM_004830.4 (MANE Select); coding-DNA position 3742, G replaced by A.
Protein change: p.Val1248Ile; replaces valine 1248 with isoleucine.
Molecular consequence: missense variant.
Genome position (GRCh38, 1-based): chr6:131,590,387, C>T on the plus strand (G>A on the coding strand, the complement: MED23 is on the minus strand). VCF-style: chr6-131590387-C-T. GRCh37 (hg19) VCF-style: chr6-131911527-C-T.
Other names: c.3742G>A, p.Val1248Ile (NM_001270521.2, NM_001270522.2); c.3760G>A, p.Val1254Ile (NM_015979.4); c.3760G>A (NM_015979.3); short protein forms V1254I, V1248I.
Identifiers: ClinVar variation 587905 (VCV000587905.8), dbSNP rs144470678, ClinGen allele CA3999537.

ClinVar aggregate classification (germline): Uncertain significance. Review status: criteria provided, multiple submitters, no conflicts (2 of 4 stars). 3 submissions from 3 submitters: Uncertain significance (2). 1 of the submissions does not count toward it. Last evaluated 2018-07-08.

Conditions:
Inborn genetic diseases. Identifiers: MedGen C0950123, MeSH D030342.
MED23-related disorder. Also called: MED23-related condition.

Allele frequency attached by ClinVar (database versions not stated): gnomAD exomes 0.00012 and 0.00047; ExAC 0.00055; TOPMed 0.00135; gnomAD 0.00142 and 0.00150; ESP Exome Variant Server 0.00200; 1000 Genomes Project 0.00240; 1000 Genomes Project 30x 0.00250.
gnomAD v4.1: 392 of 1,608,588 alleles (0.024%); highest among the groups gnomAD compares: African/African-American, 0.42%; 2 homozygotes.

Submissions (3):

Ambry Genetics
Classification: Uncertain significance for Inborn genetic diseases. Last evaluated: 2018-07-08. Review status: criteria provided, single submitter. Criteria: Ambry Variant Classification Scheme 2023. Collection method: clinical testing. Allele origin: germline.
Comment: The p.V1254I variant (also known as c.3760G>A), located in coding exon 28 of the MED23 gene, results from a G to A substitution at nucleotide position 3760. The valine at codon 1254 is replaced by isoleucine, an amino acid with highly similar properties. This amino acid position is highly conserved in available vertebrate species. In addition, the in silico prediction for this alteration is inconclusive. Since supporting evidence is limited at this time, the clinical significance of this variant remains unclear.

Breakthrough Genomics
Classification: Uncertain significance. Review status: criteria provided, single submitter. Criteria: ACMG Guidelines, 2015. Collection method: not provided. Allele origin: germline. Inheritance: Autosomal recessive inheritance. Affected: yes.

PreventionGenetics, part of Exact Sciences
Classification: Likely benign for MED23-related condition. Last evaluated: 2020-04-08. Review status: no assertion criteria provided. Collection method: clinical testing. Allele origin: germline. Not counted in ClinVar's aggregate classification.
Comment: This variant is classified as likely benign based on ACMG/AMP sequence variant interpretation guidelines (Richards et al. 2015 PMID: 25741868, with internal and published modifications).